The following is an entry in ClinVar:

NM_018906.3(PCDHA3):c.1059A>G (p.Gln353=)

Genes: PCDHA1 (protocadherin alpha 1; plus strand), PCDHA2 (protocadherin alpha 2; plus strand), PCDHA3 (protocadherin alpha 3; plus strand), PCDHA@ (protocadherin alpha cluster, complex locus; plus strand). Cytogenetic location: 5q31.3.
Variant type: single nucleotide variant.
Coding change: c.1059A>G on transcript NM_018906.3 (MANE Select); coding-DNA position 1059, A replaced by G.
Protein change: p.Gln353=; no amino-acid change (glutamine 353 retained).
Molecular consequence: synonymous variant. On other transcripts: intron variant (4).
Genome position (GRCh38, 1-based): chr5:140,802,256, A>G. VCF-style: chr5-140802256-A-G. GRCh37 (hg19) VCF-style: chr5-140181841-A-G.
Other names: c.1059A>G, p.Gln353= (NM_031497.2); c.2394+13572A>G (NM_018900.4); c.1602+14364A>G (NM_031411.3); c.2388+4904A>G (NM_018905.3); c.2389-2804A>G (NM_031496.2).
Identifiers: ClinVar variation 3051088 (VCV003051088.2), dbSNP rs537450462, ClinGen allele CA3446403.

ClinVar aggregate classification (germline): Likely benign (0 of 4 stars; one submission).

Conditions:
PCDHA3-related disorder. Also called: PCDHA3-related condition.

Allele frequency attached by ClinVar (database versions not stated): ExAC 0.00008; TOPMed 0.00005; gnomAD exomes 0.00006; 1000 Genomes Project 30x 0.00031; 1000 Genomes Project 0.00040; gnomAD 0.00007.
gnomAD v4.1: 97 of 1,614,244 alleles (0.006%); highest among the groups gnomAD compares: South Asian, 0.04%; no homozygotes.

Submission:

PreventionGenetics, part of Exact Sciences
Classification: Likely benign for PCDHA3-related condition. Last evaluated: 2020-01-23. Review status: no assertion criteria provided. Collection method: clinical testing. Allele origin: germline.
Comment: This variant is classified as likely benign based on ACMG/AMP sequence variant interpretation guidelines (Richards et al. 2015 PMID: 25741868, with internal and published modifications).